The following is an entry in ClinVar:

ClinVar aggregate classification (germline): Conflicting classifications of pathogenicity. Review status: criteria provided, conflicting classifications (1 of 4 stars). 2 submissions from 2 submitters: Uncertain significance (1); Likely benign (1). Last evaluated 2024-10-22.

Allele frequency attached by ClinVar (database versions not stated): gnomAD exomes below 0.00001; TOPMed below 0.00001; ExAC 0.00001; gnomAD 0.00001.

Submissions (2):

Labcorp Genetics (formerly Invitae), Labcorp
Classification: Uncertain significance. Last evaluated: 2024-10-22. Review status: criteria provided, single submitter. Criteria: Invitae Variant Classification Sherloc (09022015). Collection method: clinical testing. Allele origin: germline.
Comment: This sequence change replaces proline, which is neutral and non-polar, with alanine, which is neutral and non-polar, at codon 2321 of the CACNA1G protein (p.Pro2321Ala). The frequency data for this variant in the population databases is considered unreliable, as metrics indicate poor data quality at this position in the gnomAD database. This variant has not been reported in the literature in individuals affected with CACNA1G-related conditions. Invitae Evidence Modeling of protein sequence and biophysical properties (such as structural, functional, and spatial information, amino acid conservation, physicochemical variation, residue mobility, and thermodynamic stability) indicates that this missense variant is not expected to disrupt CACNA1G protein function with a negative predictive value of 95%. In summary, the available evidence is currently insufficient to determine the role of this variant in disease. Therefore, it has been classified as a Variant of Uncertain Significance.

Blueprint Genetics
Classification: Likely benign. Last evaluated: 2022-08-18. Review status: criteria provided, single submitter. Criteria: ACMG Guidelines, 2015. Collection method: clinical testing. Allele origin: germline.

NM_018896.5(CACNA1G):c.6961C>G (p.Pro2321Ala)

Gene: CACNA1G (calcium voltage-gated channel subunit alpha1 G; plus strand). Cytogenetic location: 17q21.33.
Variant type: single nucleotide variant.
Coding change: c.6961C>G on transcript NM_018896.5 (MANE Select); coding-DNA position 6961, C replaced by G.
Protein change: p.Pro2321Ala; replaces proline 2321 with alanine.
Molecular consequence: missense variant. On other transcripts: non-coding transcript variant (5).
Genome position (GRCh38, 1-based): chr17:50,626,578, C>G. VCF-style: chr17-50626578-C-G. GRCh37 (hg19) VCF-style: chr17-48703939-C-G.
Other names: c.6772C>G, p.Pro2258Ala (NM_001256324.2); c.6703C>G, p.Pro2235Ala (NM_001256325.2); c.6691C>G, p.Pro2231Ala (NM_001256326.2); c.6661C>G, p.Pro2221Ala (NM_001256327.2); c.6607C>G, p.Pro2203Ala (NM_001256328.2); c.6580C>G, p.Pro2194Ala (NM_001256329.2, NM_198387.3); c.6547C>G, p.Pro2183Ala (NM_001256330.2); c.6526C>G, p.Pro2176Ala (NM_001256331.2); and 18 more; short protein forms P2171A, P2183A, P2187A, P2190A, P2201A, P2235A, P2258A, P2149A.
Identifiers: ClinVar variation 2792207 (VCV002792207.4), dbSNP rs763809382, ClinGen allele CA8653770.
Genomic context (GRCh38, chr17:50,626,578, plus strand): 5'-CGGCCCAAGAAAAAACTCAGCCCGCCTAGTATCACCATAGACCCCCCCGAGAGCCAAGGT[C>G]CTCGGACCCCGCCCAGCCCTGGTATCTGCCTCCGGAGGAGGGCTCCGTCCAGCGACTCCA-3'
Protein context (NP_061496.2, residues 2311-2331): ITIDPPESQG[Pro2321Ala]RTPPSPGICL